The following is an entry in ClinVar:

ClinVar aggregate classification (germline): Conflicting classifications of pathogenicity. Review status: criteria provided, conflicting classifications (1 of 4 stars). 5 submissions from 5 submitters: Uncertain significance (4); Likely benign (1). Last evaluated 2025-08-12.

Conditions:
Arrhythmogenic cardiomyopathy with wooly hair and keratoderma. Also called: PALMOPLANTAR KERATODERMA WITH LEFT VENTRICULAR CARDIOMYOPATHY AND WOOLLY HAIR; Carvajal syndrome; Dilated cardiomyopathy with woolly hair and keratoderma; Arrhythmogenic cardiomyopathy with woolly hair and keratoderma. Identifiers: Orphanet 65282, MedGen C1854063, MONDO:0011581, OMIM 605676.
Arrhythmogenic right ventricular dysplasia 8 (ARVD8). Also called: Arrhythmogenic Right Ventricular Dysplasia/Cardiomyopathy 8; ARRHYTHMOGENIC RIGHT VENTRICULAR DYSPLASIA, FAMILIAL, 8; ARRHYTHMOGENIC RIGHT VENTRICULAR CARDIOMYOPATHY 8. Identifiers: MedGen C1843896, MONDO:0011831, OMIM 607450.
Woolly hair-skin fragility syndrome (WHSF). Identifiers: Orphanet 293165, MedGen C1843292, MONDO:0957307, OMIM 620415.
Cardiomyopathy, dilated, with wooly hair, keratoderma, and tooth agenesis. Also called: Cardiomyopathy, dilated, with woolly hair, keratoderma, and tooth agenesis; Erythrokeratodermia-cardiomyopathy syndrome. Identifiers: Orphanet 476096, Orphanet 65282, MedGen C4014393, MONDO:0014355, OMIM 615821.
Lethal acantholytic epidermolysis bullosa (EBLA). Identifiers: Orphanet 158687, MedGen C1864826, MONDO:0012323, OMIM 609638.
Keratosis palmoplantaris striata 2. Also called: Keratosis palmoplantaris striata II; KERATODERMA, PALMOPLANTAR, STRIATE FORM II; STRIATE PALMOPLANTAR KERATODERMA II. Identifiers: MedGen C1852127, MONDO:0013034, OMIM 612908.
Cardiovascular phenotype. Identifiers: MedGen CN230736.
Cardiomyopathy (CMYO). Also called: Cardiomyopathies. Identifiers: Orphanet 167848, MedGen C0878544, MONDO:0004994, HP:0001638. Inheritance: Various modes of inheritance.

Allele frequency attached by ClinVar (database versions not stated): gnomAD exomes below 0.00001; TOPMed below 0.00001; gnomAD 0.00001 and 0.00002; 1000 Genomes Project 30x 0.00016; 1000 Genomes Project 0.00020.
gnomAD v4.1: 4 of 1,613,766 alleles (0.00025%); highest among the groups gnomAD compares: African/African-American, 0.004%; no homozygotes.

Submissions (5):

Ambry Genetics
Classification: Uncertain significance for Cardiovascular phenotype. Last evaluated: 2025-08-12. Review status: criteria provided, single submitter. Criteria: Ambry Variant Classification Scheme 2023. Collection method: clinical testing. Allele origin: germline.
Comment: The p.L326F variant (also known as c.976C>T), located in coding exon 8 of the DSP gene, results from a C to T substitution at nucleotide position 976. The leucine at codon 326 is replaced by phenylalanine, an amino acid with highly similar properties. This amino acid position is conserved. In addition, this alteration is predicted to be tolerated by in silico analysis. Based on the available evidence, the clinical significance of this variant remains unclear.

Labcorp Genetics (formerly Invitae), Labcorp
Classification: Likely benign for Arrhythmogenic cardiomyopathy with wooly hair and keratoderma; Arrhythmogenic right ventricular dysplasia 8. Last evaluated: 2025-04-09. Review status: criteria provided, single submitter. Criteria: Invitae Variant Classification Sherloc (09022015). Collection method: clinical testing. Allele origin: germline.

Color Diagnostics, LLC DBA Color Health
Classification: Uncertain significance for Cardiomyopathy. Last evaluated: 2024-08-12. Review status: criteria provided, single submitter. Criteria: ACMG Guidelines, 2015. Collection method: clinical testing. Allele origin: germline.
Comment: This missense variant replaces leucine with phenylalanine at codon 326 of the DSP protein. Computational prediction suggests that this variant may not impact protein structure and function (internally defined REVEL score threshold <= 0.5, PMID: 27666373). To our knowledge, functional studies have not been reported for this variant. This variant has not been reported in individuals affected with DSP-related disorders in the literature. This variant has been identified in 2/282442 chromosomes in the general population by the Genome Aggregation Database (gnomAD). The available evidence is insufficient to determine the role of this variant in disease conclusively. Therefore, this variant is classified as a Variant of Uncertain Significance.

Fulgent Genetics
Classification: Uncertain significance for Arrhythmogenic cardiomyopathy with wooly hair and keratoderma; Arrhythmogenic right ventricular dysplasia 8; Lethal acantholytic epidermolysis bullosa; Keratosis palmoplantaris striata 2; Cardiomyopathy, dilated, with wooly hair, keratoderma, and tooth agenesis. Last evaluated: 2021-10-26. Review status: criteria provided, single submitter. Criteria: ACMG Guidelines, 2015. Collection method: clinical testing. Allele origin: unknown.

Breakthrough Genomics
Classification: Uncertain significance. Review status: criteria provided, single submitter. Criteria: ACMG Guidelines, 2015. Collection method: not provided. Allele origin: germline. Inheritance: Autosomal recessive inheritance. Affected: yes.

NM_004415.4(DSP):c.976C>T (p.Leu326Phe)

Gene: DSP (desmoplakin; plus strand). Cytogenetic location: 6p24.3.
Variant type: single nucleotide variant.
Coding change: c.976C>T on transcript NM_004415.4 (MANE Select); coding-DNA position 976, C replaced by T.
Protein change: p.Leu326Phe; replaces leucine 326 with phenylalanine.
Molecular consequence: missense variant.
Genome position (GRCh38, 1-based): chr6:7,566,413, C>T. VCF-style: chr6-7566413-C-T. GRCh37 (hg19) VCF-style: chr6-7566646-C-T.
Other names: c.976C>T (LRG_423t1); c.976C>T, p.Leu326Phe (NM_001008844.3, NM_001319034.2); short protein forms L326F.
Identifiers: ClinVar variation 534297 (VCV000534297.13), dbSNP rs117961973, ClinGen allele CA133955206.